The following is an entry in ClinVar:

ClinVar aggregate classification (germline): Pathogenic. Review status: criteria provided, multiple submitters, no conflicts (2 of 4 stars). 2 submissions from 2 submitters: Pathogenic (2). Last evaluated 2025-08-13.

Conditions:
Mitochondrial complex I deficiency, nuclear type 1. Also called: NADH-COENZYME Q REDUCTASE DEFICIENCY; MITOCHONDRIAL NADH DEHYDROGENASE COMPONENT OF COMPLEX I, DEFICIENCY OF. Identifiers: MedGen C6022305, MONDO:0100224, OMIM 252010.
Leigh syndrome (NULS). Also called: Subacute necrotizing encephalopathy; Necrotizing encephalopathy infantile subacute of Leigh; Leigh's syndrome; Leigh's necrotizing encephalopathy; Leigh's disease; Leigh Syndrome (mtDNA deletion). Identifiers: Orphanet 506, MedGen C2931891, MONDO:0009723, OMIM 256000.

Allele frequency attached by ClinVar (database versions not stated): gnomAD exomes below 0.00001.
gnomAD v4.1: 2 of 1,604,310 alleles (0.00012%); highest among the groups gnomAD compares: Non-Finnish European, 0.000085%; no homozygotes.

Submissions (2):

3billion
Classification: Pathogenic for Mitochondrial complex I deficiency, nuclear type 1. Last evaluated: 2025-08-13. Review status: criteria provided, single submitter. Criteria: ACMG Guidelines, 2015. Collection method: clinical testing. Allele origin: germline. Affected: yes.
Comment: The variant is observed at an extremely low frequency in the gnomAD v4.1.0 dataset (total allele frequency: <0.001%). Predicted Consequence/Location: Canonical splice site: predicted to alter splicing and result in a loss or disruption of normal protein function. Multiple pathogenic loss-of-function variants are reported downstream of the variant. In silico tools predict the variant to alter splicing and produce an abnormal transcript [SpliceAI: 1.00 (spliceogenicity >=0.2, non-spliceogenicity <0.1)]. The variant has been reported to be associated with NDUFS4-related disorder (ClinVar ID: VCV000488559). Therefore, this variant is classified as Pathogenic according to the recommendation of ACMG/AMP guideline.

Institute of Human Genetics Munich, TUM University Hospital
Classification: Pathogenic for Leigh syndrome. Last evaluated: 2017-11-08. Review status: criteria provided, single submitter. Criteria: Classification criteria August 2017. Collection method: clinical testing. Allele origin: inherited. Inheritance: Autosomal recessive inheritance. Affected: yes. Observed: 1 homozygote.

NM_002495.4(NDUFS4):c.178-2A>G

Gene: NDUFS4 (NADH:ubiquinone oxidoreductase subunit S4; plus strand). Cytogenetic location: 5q11.2.
Variant type: single nucleotide variant.
Coding change: c.178-2A>G on transcript NM_002495.4 (MANE Select); the canonical splice acceptor site of the intron before coding-DNA position 178, A replaced by G.
Molecular consequence: splice acceptor variant.
Genome position (GRCh38, 1-based): chr5:53,646,231, A>G. VCF-style: chr5-53646231-A-G. GRCh37 (hg19) VCF-style: chr5-52942061-A-G.
Other names: c.178-2A>G (NM_001318051.2).
Identifiers: ClinVar variation 488559 (VCV000488559.4), dbSNP rs1554059248, ClinGen allele CA359719528.